The following is an entry in ClinVar:

NM_020297.4(ABCC9):c.2951G>A (p.Arg984His)

Gene: ABCC9 (ATP binding cassette subfamily C member 9; minus strand). Cytogenetic location: 12p12.1.
Variant type: single nucleotide variant.
Coding change: c.2951G>A on transcript NM_020297.4 (MANE Select); coding-DNA position 2951, G replaced by A.
Protein change: p.Arg984His; replaces arginine 984 with histidine.
Molecular consequence: missense variant.
Genome position (GRCh38, 1-based): chr12:21,845,748, C>T on the plus strand (G>A on the coding strand, the complement: ABCC9 is on the minus strand). VCF-style: chr12-21845748-C-T. GRCh37 (hg19) VCF-style: chr12-21998682-C-T.
Other names: c.2951G>A, p.Arg984His (NM_001377273.1, NM_005691.4); c.2084G>A, p.Arg695His (NM_001377274.1); short protein forms R984H, R695H.
Identifiers: ClinVar variation 429414 (VCV000429414.11), dbSNP rs148752791, ClinGen allele CA6481233.

ClinVar aggregate classification (germline): Uncertain significance. Review status: criteria provided, multiple submitters, no conflicts (2 of 4 stars). 2 submissions from 2 submitters: Uncertain significance (2). Last evaluated 2024-12-02.

Conditions:
Dilated cardiomyopathy 1O (CMD1O). Also called: CARDIOMYOPATHY, DILATED, WITH VENTRICULAR TACHYCARDIA. Identifiers: Orphanet 154, MedGen C1837839, MONDO:0012062, OMIM 608569.

Allele frequency attached by ClinVar (database versions not stated): gnomAD 0.00001; gnomAD exomes 0.00001 and 0.00002; TOPMed 0.00001; ExAC 0.00002; ESP Exome Variant Server 0.00008; 1000 Genomes Project 0.00020; 1000 Genomes Project 30x 0.00031.
gnomAD v4.1: 9 of 1,613,854 alleles (0.00056%); highest among the groups gnomAD compares: East Asian, 0.0022%; no homozygotes.

Submissions (2):

Labcorp Genetics (formerly Invitae), Labcorp
Classification: Uncertain significance for Dilated cardiomyopathy 1O. Last evaluated: 2024-12-02. Review status: criteria provided, single submitter. Criteria: Invitae Variant Classification Sherloc (09022015). Collection method: clinical testing. Allele origin: germline.
Comment: This sequence change replaces arginine, which is basic and polar, with histidine, which is basic and polar, at codon 984 of the ABCC9 protein (p.Arg984His). This variant is present in population databases (rs148752791, gnomAD 0.006%). This variant has not been reported in the literature in individuals affected with ABCC9-related conditions. ClinVar contains an entry for this variant (Variation ID: 429414). Invitae Evidence Modeling of protein sequence and biophysical properties (such as structural, functional, and spatial information, amino acid conservation, physicochemical variation, residue mobility, and thermodynamic stability) indicates that this missense variant is not expected to disrupt ABCC9 protein function with a negative predictive value of 80%. In summary, the available evidence is currently insufficient to determine the role of this variant in disease. Therefore, it has been classified as a Variant of Uncertain Significance.

GeneDx
Classification: Uncertain significance. Last evaluated: 2017-05-05. Review status: criteria provided, single submitter. Criteria: GeneDx Variant Classification (06012015). Collection method: clinical testing. Allele origin: germline. Affected: yes.
Comment: The R984H variant of uncertain significance in the ABCC9 gene has not been published as pathogenic or been reported as benign to our knowledge. This variant is not observed at a significant frequency in large population cohorts (Lek et al., 2016; 1000 Genomes Consortium et al., 2015; Exome Variant Server). However, the R984H variant is a conservative amino acid substitution, which is not likely to impact secondary protein structure as these residues share similar properties. Furthermore, this substitution occurs at a position that is not conserved across species, and in silico analysis is inconsistent in its predictions as to whether or not the variant is damaging to the protein structure/function.